The following is an entry in ClinVar:

NM_003839.4(TNFRSF11A):c.1677GGC[4] (p.Ala563dup)

Gene: TNFRSF11A (TNF receptor superfamily member 11a; plus strand). Cytogenetic location: 18q21.33.
Variant type: Microsatellite.
Coding change: c.1677GGC[4] on transcript NM_003839.4 (MANE Select); four copies in a row of the 3-base unit GGC starting at c.1677; the reference has three copies in a row; one copy, 3 bases duplicated.
Protein change: p.Ala563dup; duplicates alanine 563.
Molecular consequence: inframe insertion. On other transcripts: 3 prime UTR variant (1).
Genome position (GRCh38, 1-based): chr18:62,384,866-62,384,868, GGC duplicated; duplicating any 3 consecutive bases within chr18:62,384,858-62,384,868 gives the same sequence; the position shown is the placement nearest the transcript's 3' end. VCF-style (leftmost placement, unchanged base first): chr18-62384857-C-CGCG. GRCh37 (hg19) VCF-style: chr18-60052090-C-CGCG.
Other names: c.*101GGC[4] (NM_001270949.2); c.840GGC[4], p.Ala284dup (NM_001270950.2); c.726GGC[4], p.Ala246dup (NM_001270951.2); c.1635GGC[4], p.Ala549dup (NM_001278268.2).
Identifiers: ClinVar variation 1415958 (VCV001415958.8), dbSNP rs760191082, ClinGen allele CA8984023.

ClinVar aggregate classification (germline): Uncertain significance (1 of 4 stars; one submission).

Submission:

Labcorp Genetics (formerly Invitae), Labcorp
Classification: Uncertain significance. Last evaluated: 2026-01-04. Review status: criteria provided, single submitter. Criteria: Invitae Variant Classification Sherloc (09022015). Collection method: clinical testing. Allele origin: germline.
Comment: This variant, c.1683_1685dup, results in the insertion of 1 amino acid(s) of the TNFRSF11A protein (p.Ala563dup), but otherwise preserves the integrity of the reading frame. This variant is present in population databases (rs770642733, gnomAD 0.01%). This variant has not been reported in the literature in individuals affected with TNFRSF11A-related conditions. Experimental studies and prediction algorithms are not available or were not evaluated, and the functional significance of this variant is currently unknown. In summary, the available evidence is currently insufficient to determine the role of this variant in disease. Therefore, it has been classified as a Variant of Uncertain Significance.